The following is an entry in ClinVar:

ClinVar aggregate classification (germline): Uncertain significance. Review status: criteria provided, multiple submitters, no conflicts (2 of 4 stars). 2 submissions from 2 submitters: Uncertain significance (2). Last evaluated 2024-11-26.

Conditions:
Inborn genetic diseases. Identifiers: MedGen C0950123, MeSH D030342.

Allele frequency attached by ClinVar (database versions not stated): ExAC 0.00001.
gnomAD v4.1: 8 of 1,549,556 alleles (0.00052%); highest among the groups gnomAD compares: Non-Finnish European, 0.00061%; no homozygotes.

Submissions (2):

Ambry Genetics
Classification: Uncertain significance for Inborn genetic diseases. Last evaluated: 2024-11-26. Review status: criteria provided, single submitter. Criteria: Ambry Variant Classification Scheme 2023. Collection method: clinical testing. Allele origin: germline.

Labcorp Genetics (formerly Invitae), Labcorp
Classification: Uncertain significance. Last evaluated: 2024-01-25. Review status: criteria provided, single submitter. Criteria: Invitae Variant Classification Sherloc (09022015). Collection method: clinical testing. Allele origin: germline.
Comment: This sequence change replaces aspartic acid, which is acidic and polar, with histidine, which is basic and polar, at codon 482 of the USP53 protein (p.Asp482His). This variant is present in population databases (rs757682205, gnomAD 0.001%). This variant has not been reported in the literature in individuals affected with USP53-related conditions. Advanced modeling of protein sequence and biophysical properties (such as structural, functional, and spatial information, amino acid conservation, physicochemical variation, residue mobility, and thermodynamic stability) performed at Invitae indicates that this missense variant is not expected to disrupt USP53 protein function with a negative predictive value of 80%. In summary, the available evidence is currently insufficient to determine the role of this variant in disease. Therefore, it has been classified as a Variant of Uncertain Significance.

NM_001371395.1(USP53):c.1444G>C (p.Asp482His)

Gene: USP53 (ubiquitin specific peptidase 53; plus strand). Cytogenetic location: 4q26.
Variant type: single nucleotide variant.
Coding change: c.1444G>C on transcript NM_001371395.1 (MANE Select); coding-DNA position 1444, G replaced by C.
Protein change: p.Asp482His; replaces aspartic acid 482 with histidine.
Molecular consequence: missense variant.
Genome position (GRCh38, 1-based): chr4:119,271,304, G>C. VCF-style: chr4-119271304-G-C. GRCh37 (hg19) VCF-style: chr4-120192459-G-C.
Other names: c.1444G>C (NM_019050.2); c.1291G>C, p.Asp431His (NM_001371396.1, NM_001389661.1); c.1444G>C, p.Asp482His (NM_001371397.1, NM_001371398.1, NM_001371399.1 and 3 more transcripts); c.1294G>C, p.Asp432His (NM_001389660.1); c.1096G>C, p.Asp366His (NM_001389662.1, NM_001389663.1, NM_001389664.1 and 1 more transcripts); c.943G>C, p.Asp315His (NM_001389665.1, NM_001389667.1); short protein forms D315H, D482H, D366H, D432H, D431H.
Identifiers: ClinVar variation 2976007 (VCV002976007.4), dbSNP rs757682205, ClinGen allele CA3059171.